The following is an entry in ClinVar:

ClinVar aggregate classification (germline): Likely pathogenic (1 of 4 stars; one submission).

Conditions:
Leprechaunism syndrome. Also called: LEPRECHAUNISM; Donohue syndrome. Identifiers: Orphanet 508, MedGen C0265344, MONDO:0009517, OMIM 246200.

gnomAD v4.1: 1 of 1,613,776 alleles (0.000062%); highest among the groups gnomAD compares: Non-Finnish European, 0.000085%; no homozygotes.

Submission:

Juno Genomics, Hangzhou Juno Genomics, Inc
Classification: Likely pathogenic for Leprechaunism syndrome. Review status: criteria provided, single submitter. Criteria: ACMG Guidelines, 2015. Collection method: clinical testing. Allele origin: germline. Affected: yes.
Comment: Absent from controls (or at extremely low frequency if recessive) in Genome Aggregation Database, Exome Sequencing Project, 1000 Genomes Project, or Exome Aggregation Consortium.;For recessive disorders, detected in trans with a pathogenic variant.;Patient's phenotype or family history is highly specific for a disease with a single genetic etiology.;Missense variant in a gene that has a low rate of benign missense variation and where missense variants are a common mechanism of disease.;Multiple lines of computational evidence support a deleterious effect on the gene or gene product (conservation, evolutionary, splicing impact, etc).

NM_000208.4(INSR):c.121C>T (p.Arg41Trp)

Gene: INSR (insulin receptor; minus strand). Cytogenetic location: 19p13.2.
Variant type: single nucleotide variant.
Coding change: c.121C>T on transcript NM_000208.4 (MANE Select); coding-DNA position 121, C replaced by T.
Protein change: p.Arg41Trp; replaces arginine 41 with tryptophan.
Molecular consequence: missense variant.
Genome position (GRCh38, 1-based): chr19:7,267,876, G>A on the plus strand (C>T on the coding strand, the complement: INSR is on the minus strand). VCF-style: chr19-7267876-G-A. GRCh37 (hg19) VCF-style: chr19-7267887-G-A.
Other names: c.121C>T, p.Arg41Trp (NM_001079817.3); short protein forms R41W.
Identifiers: ClinVar variation 3381893 (VCV003381893.2).